The following is an entry in ClinVar:

ClinVar aggregate classification (germline): Benign. Review status: criteria provided, multiple submitters, no conflicts (2 of 4 stars). 6 submissions from 6 submitters: Benign (6). Last evaluated 2026-02-01.

Allele frequency attached by ClinVar (database versions not stated): gnomAD exomes 0.01088 and 0.02638; ExAC 0.03142; gnomAD 0.08451 and 0.08910; ESP Exome Variant Server 0.08577; TOPMed 0.09456; 1000 Genomes Project 0.10623; 1000 Genomes Project 30x 0.11384.

Submissions (6):

Labcorp Genetics (formerly Invitae), Labcorp
Classification: Benign. Last evaluated: 2026-02-01. Review status: criteria provided, single submitter. Criteria: Invitae Variant Classification Sherloc (09022015). Collection method: clinical testing. Allele origin: germline.

Mayo Clinic Laboratories, Mayo Clinic
Classification: Benign. Last evaluated: 2022-04-17. Review status: criteria provided, single submitter. Criteria: ACMG Guidelines, 2015. Collection method: clinical testing. Allele origin: germline. Observed: 9 variant alleles.

Athena Diagnostics
Classification: Benign. Last evaluated: 2018-05-23. Review status: criteria provided, single submitter. Criteria: Athena Diagnostics Criteria. Collection method: clinical testing. Allele origin: germline.

GeneDx
Classification: Benign. Last evaluated: 2017-10-09. Review status: criteria provided, single submitter. Criteria: GeneDx Variant Classification (06012015). Collection method: clinical testing. Allele origin: germline. Affected: yes.
Comment: This variant is considered likely benign or benign based on one or more of the following criteria: it is a conservative change, it occurs at a poorly conserved position in the protein, it is predicted to be benign by multiple in silico algorithms, and/or has population frequency not consistent with disease.

Laboratory for Molecular Medicine, Mass General Brigham Personalized Medicine
Classification: Benign. Last evaluated: 2017-08-23. Review status: criteria provided, single submitter. Criteria: LMM Criteria. Collection method: clinical testing. Allele origin: germline. Observed: 20 variant alleles.
Comment: p.Gln414Arg in exon 2 of SLITRK6: This variant is not expected to have clinical significance because it has been identified in 29.28% (2864/9782) of African chr omosomes by the Exome Aggregation Consortium (ExAC, rg; dbSNP rs17080147).

Breakthrough Genomics
Classification: Benign. Review status: criteria provided, single submitter. Criteria: ACMG Guidelines, 2015. Collection method: not provided. Allele origin: germline. Inheritance: Autosomal recessive inheritance. Affected: yes.

NM_032229.3(SLITRK6):c.1241A>G (p.Gln414Arg)

Gene: SLITRK6 (SLIT and NTRK like family member 6; minus strand). Cytogenetic location: 13q31.1.
Variant type: single nucleotide variant.
Coding change: c.1241A>G on transcript NM_032229.3 (MANE Select); coding-DNA position 1241, A replaced by G.
Protein change: p.Gln414Arg; replaces glutamine 414 with arginine.
Molecular consequence: missense variant.
Genome position (GRCh38, 1-based): chr13:85,795,268, T>C on the plus strand (A>G on the coding strand, the complement: SLITRK6 is on the minus strand). VCF-style: chr13-85795268-T-C. GRCh37 (hg19) VCF-style: chr13-86369403-T-C.
Other names: short protein forms Q414R.
Identifiers: ClinVar variation 506090 (VCV000506090.16), dbSNP rs17080147, ClinGen allele CA7015134.